The following is an entry in ClinVar:

ClinVar aggregate classification (germline): Uncertain significance (1 of 4 stars; one submission).

Submission:

Labcorp Genetics (formerly Invitae), Labcorp
Classification: Uncertain significance. Last evaluated: 2022-11-25. Review status: criteria provided, single submitter. Criteria: Invitae Variant Classification Sherloc (09022015). Collection method: clinical testing. Allele origin: germline.
Comment: This sequence change affects codon 487 of the THBD mRNA. It is a 'silent' change, meaning that it does not change the encoded amino acid sequence of the THBD protein. This variant is not present in population databases (gnomAD no frequency). This variant has not been reported in the literature in individuals affected with THBD-related conditions. In summary, the available evidence is currently insufficient to determine the role of this variant in disease. Therefore, it has been classified as a Variant of Uncertain Significance.

NM_000361.3(THBD):c.1461T>A (p.Gly487=)

Gene: THBD (thrombomodulin; minus strand). Cytogenetic location: 20p11.21.
Variant type: single nucleotide variant.
Coding change: c.1461T>A on transcript NM_000361.3 (MANE Select); coding-DNA position 1461, T replaced by A.
Protein change: p.Gly487=; no amino-acid change (glycine 487 retained).
Molecular consequence: synonymous variant.
Genome position (GRCh38, 1-based): chr20:23,048,044, A>T on the plus strand (T>A on the coding strand, the complement: THBD is on the minus strand). VCF-style: chr20-23048044-A-T. GRCh37 (hg19) VCF-style: chr20-23028681-A-T.
Identifiers: ClinVar variation 2029268 (VCV002029268.4), dbSNP rs2515202945, ClinGen allele CA510160262.